The following is an entry in ClinVar:

ClinVar aggregate classification (germline): Uncertain significance (1 of 4 stars; one submission).

Conditions:
Muscular dystrophy-dystroglycanopathy (congenital with impaired intellectual development), type B, 2. Also called: Muscular dystrophy-dystroglycanopathy (congenital with intellectual disability), type B2; MUSCULAR DYSTROPHY, CONGENITAL, POMT2-RELATED. Identifiers: MedGen C3150416, MONDO:0013160, OMIM 613156.
Autosomal recessive limb-girdle muscular dystrophy type 2N. Also called: MUSCULAR DYSTROPHY-DYSTROGLYCANOPATHY, LIMB-GIRDLE, POMT2-RELATED; Muscular dystrophy-dystroglycanopathy (limb-girdle), type C, 2. Identifiers: Orphanet 206559, MedGen C3150418, MONDO:0013162, OMIM 613158.
Muscular dystrophy-dystroglycanopathy (congenital with brain and eye anomalies), type A2. Also called: MUSCULAR DYSTROPHY-DYSTROGLYCANOPATHY (CONGENITAL WITH BRAIN AND EYE ANOMALIES), TYPE A, 2; WALKER-WARBURG SYNDROME OR MUSCLE-EYE-BRAIN DISEASE, POMT2-RELATED. Identifiers: Orphanet 588, Orphanet 899, MedGen C3150411, MONDO:0013154, OMIM 613150.

Submission:

Labcorp Genetics (formerly Invitae), Labcorp
Classification: Uncertain significance for Muscular dystrophy-dystroglycanopathy (congenital with impaired intellectual development), type B, 2; Muscular dystrophy-dystroglycanopathy (congenital with brain and eye anomalies), type A2; Autosomal recessive limb-girdle muscular dystrophy type 2N. Last evaluated: 2025-09-05. Review status: criteria provided, single submitter. Criteria: Invitae Variant Classification Sherloc (09022015). Collection method: clinical testing. Allele origin: germline.
Comment: This sequence change replaces lysine, which is basic and polar, with asparagine, which is neutral and polar, at codon 212 of the POMT2 protein (p.Lys212Asn). This variant is not present in population databases (gnomAD no frequency). This variant has not been reported in the literature in individuals affected with POMT2-related conditions. ClinVar contains an entry for this variant (Variation ID: 1517625). Invitae Evidence Modeling of protein sequence and biophysical properties (such as structural, functional, and spatial information, amino acid conservation, physicochemical variation, residue mobility, and thermodynamic stability) indicates that this missense variant is not expected to disrupt POMT2 protein function with a negative predictive value of 80%. In summary, the available evidence is currently insufficient to determine the role of this variant in disease. Therefore, it has been classified as a Variant of Uncertain Significance.

NM_013382.7(POMT2):c.636G>C (p.Lys212Asn)

Gene: POMT2 (protein O-mannosyltransferase 2; minus strand). Cytogenetic location: 14q24.3.
Variant type: single nucleotide variant.
Coding change: c.636G>C on transcript NM_013382.7 (MANE Select); coding-DNA position 636, G replaced by C.
Protein change: p.Lys212Asn; replaces lysine 212 with asparagine.
Molecular consequence: missense variant.
Genome position (GRCh38, 1-based): chr14:77,302,855, C>G on the plus strand (G>C on the coding strand, the complement: POMT2 is on the minus strand). VCF-style: chr14-77302855-C-G. GRCh37 (hg19) VCF-style: chr14-77769198-C-G.
Other names: short protein forms K212N.
Identifiers: ClinVar variation 1517625 (VCV001517625.6), dbSNP rs368906346, ClinGen allele CA390520462.
Genomic context (GRCh38, chr14:77,302,855, plus strand): 5'-CAGCTTCCAACCCTCCCCTCCCGGGGATGGAGTTTCTGACCTGTCGGCGCAAGAGTTGTA[C>G]TTGACCATGCTCAGCATGGCAGCCATGATGAAGAACATCAGGATGGGGTCAAGGAGGATG-3'
Protein context (NP_037514.2, residues 202-222): FIMAAMLSMV[Lys212Asn]YNSCADRPFS